The following is an entry in ClinVar:

ClinVar aggregate classification (germline): Uncertain significance (1 of 4 stars; one submission).

Conditions:
Severe myoclonic epilepsy in infancy (DRVT). Also called: Dravet syndrome; SEVERE MYOCLONIC EPILEPSY OF INFANCY; Epileptic encephalopathy, early infantile, 6 (Dravet syndrome); DEVELOPMENTAL AND EPILEPTIC ENCEPHALOPATHY 6A; Severe Myoclonic Epilepsy in Infancy (SMEI). Identifiers: Orphanet 33069, MedGen C0751122, MONDO:0100135, OMIM 607208.

Submission:

Institute of Human Genetics, University of Leipzig Medical Center
Classification: Uncertain significance for Severe myoclonic epilepsy in infancy. Last evaluated: 2022-07-06. Review status: criteria provided, single submitter. Criteria: ACMG Guidelines, 2015. Collection method: clinical testing. Allele origin: unknown. Affected: yes.
Comment: Despite strong evidence for its pathogenicity, this variant has to be classified as of unknown significance, according to the ACMG-criteria (Richards et al., 2015)_x000D_ Criteria applied: PM1, PM2_SUP, PP2, PP3

NM_001165963.4(SCN1A):c.2915T>G (p.Phe972Cys)

Gene: SCN1A (sodium voltage-gated channel alpha subunit 1; minus strand). Cytogenetic location: 2q24.3.
Variant type: single nucleotide variant.
Coding change: c.2915T>G on transcript NM_001165963.4 (MANE Select); coding-DNA position 2915, T replaced by G.
Protein change: p.Phe972Cys; replaces phenylalanine 972 with cysteine.
Molecular consequence: missense variant. On other transcripts: non-coding transcript variant (1).
Genome position (GRCh38, 1-based): chr2:166,037,807, A>C on the plus strand (T>G on the coding strand, the complement: SCN1A is on the minus strand). VCF-style: chr2-166037807-A-C. GRCh37 (hg19) VCF-style: chr2-166894317-A-C.
Other names: c.2831T>G, p.Phe944Cys (NM_001165964.3, NM_001353957.2, NM_001353958.2); c.2915T>G, p.Phe972Cys (NM_001202435.3, NM_001353948.2); c.2882T>G, p.Phe961Cys (NM_001353949.2, NM_001353950.2, NM_001353951.2 and 2 more transcripts); c.2879T>G, p.Phe960Cys (NM_001353954.2, NM_001353955.2); c.2828T>G, p.Phe943Cys (NM_001353960.2); c.473T>G, p.Phe158Cys (NM_001353961.2); short protein forms F158C, F943C, F944C, F960C, F961C, F972C.
Identifiers: ClinVar variation 1697304 (VCV001697304.1), dbSNP rs2105805621, ClinGen allele CA349060862.